The following is an entry in ClinVar:

NM_004415.4(DSP):c.196C>T (p.Gln66Ter)

Gene: DSP (desmoplakin; plus strand). Cytogenetic location: 6p24.3.
Variant type: single nucleotide variant.
Coding change: c.196C>T on transcript NM_004415.4 (MANE Select); coding-DNA position 196, C replaced by T.
Protein change: p.Gln66Ter; replaces glutamine 66 with a stop codon.
Molecular consequence: nonsense.
Genome position (GRCh38, 1-based): chr6:7,555,743, C>T. VCF-style: chr6-7555743-C-T. GRCh37 (hg19) VCF-style: chr6-7555976-C-T.
Other names: c.196C>T, p.Gln66Ter (NM_001008844.3, NM_001319034.2, NM_001406591.1); short protein forms Q66*.
Identifiers: ClinVar variation 4783867 (VCV004783867.1).

ClinVar aggregate classification (germline): Pathogenic (1 of 4 stars; one submission).

Conditions:
Arrhythmogenic right ventricular dysplasia 8 (ARVD8). Also called: Arrhythmogenic Right Ventricular Dysplasia/Cardiomyopathy 8; ARRHYTHMOGENIC RIGHT VENTRICULAR DYSPLASIA, FAMILIAL, 8; ARRHYTHMOGENIC RIGHT VENTRICULAR CARDIOMYOPATHY 8. Identifiers: MedGen C1843896, MONDO:0011831, OMIM 607450.
Arrhythmogenic cardiomyopathy with wooly hair and keratoderma. Also called: PALMOPLANTAR KERATODERMA WITH LEFT VENTRICULAR CARDIOMYOPATHY AND WOOLLY HAIR; Arrhythmogenic cardiomyopathy with woolly hair and keratoderma; Carvajal syndrome; Dilated cardiomyopathy with woolly hair and keratoderma. Identifiers: Orphanet 65282, MedGen C1854063, MONDO:0011581, OMIM 605676.

Submission:

Labcorp Genetics (formerly Invitae), Labcorp
Classification: Pathogenic for Arrhythmogenic cardiomyopathy with wooly hair and keratoderma; Arrhythmogenic right ventricular dysplasia 8. Last evaluated: 2025-08-31. Review status: criteria provided, single submitter. Criteria: Invitae Variant Classification Sherloc (09022015). Collection method: clinical testing. Allele origin: germline.
Comment: This sequence change creates a premature translational stop signal (p.Gln66*) in the DSP gene. It is expected to result in an absent or disrupted protein product. Loss-of-function variants in DSP are known to be pathogenic (PMID: 20716751, 24503780, 25227139). This variant is not present in population databases (gnomAD no frequency). This premature translational stop signal has been observed in individual(s) with DSP-related conditions (PMID: 36580316). For these reasons, this variant has been classified as Pathogenic.

Literature cited by the submitters: PubMed 20716751; PubMed 24503780; PubMed 25227139; PubMed 36580316.